The following is an entry in ClinVar:

NM_004204.5(PIGQ):c.275C>A (p.Pro92His)

Gene: PIGQ (phosphatidylinositol glycan anchor biosynthesis class Q; plus strand). Cytogenetic location: 16p13.3.
Variant type: single nucleotide variant.
Coding change: c.275C>A on transcript NM_004204.5 (MANE Select); coding-DNA position 275, C replaced by A.
Protein change: p.Pro92His; replaces proline 92 with histidine.
Molecular consequence: missense variant.
Genome position (GRCh38, 1-based): chr16:574,349, C>A. VCF-style: chr16-574349-C-A. GRCh37 (hg19) VCF-style: chr16-624349-C-A.
Other names: c.275C>A, p.Pro92His (NM_148920.4); short protein forms P92H.
Identifiers: ClinVar variation 2954923 (VCV002954923.3), dbSNP rs749850210, ClinGen allele CA394047329.

ClinVar aggregate classification (germline): Uncertain significance (1 of 4 stars; one submission).

Conditions:
Epilepsy. Also called: Seizure disorder. Identifiers: MedGen C0014544, MeSH D004827, MONDO:0005027.

Submission:

Labcorp Genetics (formerly Invitae), Labcorp
Classification: Uncertain significance for Epilepsy. Last evaluated: 2022-10-19. Review status: criteria provided, single submitter. Criteria: Invitae Variant Classification Sherloc (09022015). Collection method: clinical testing. Allele origin: germline.
Comment: In summary, the available evidence is currently insufficient to determine the role of this variant in disease. Therefore, it has been classified as a Variant of Uncertain Significance. Algorithms developed to predict the effect of missense changes on protein structure and function are either unavailable or do not agree on the potential impact of this missense change (SIFT: "Deleterious"; PolyPhen-2: "Probably Damaging"; Align-GVGD: "Class C0"). This variant has not been reported in the literature in individuals affected with PIGQ-related conditions. This variant is not present in population databases (gnomAD no frequency). This sequence change replaces proline, which is neutral and non-polar, with histidine, which is basic and polar, at codon 92 of the PIGQ protein (p.Pro92His).